The following is an entry in ClinVar:

ClinVar aggregate classification (germline): Uncertain significance (1 of 4 stars; one submission).

gnomAD v4.1: 1 of 1,210,610 alleles (0.000083%); highest among the groups gnomAD compares: Non-Finnish European, 0.00011%; no homozygotes.

Submission:

Labcorp Genetics (formerly Invitae), Labcorp
Classification: Uncertain significance. Last evaluated: 2025-01-13. Review status: criteria provided, single submitter. Criteria: Invitae Variant Classification Sherloc (09022015). Collection method: clinical testing. Allele origin: germline.
Comment: This sequence change replaces threonine, which is neutral and polar, with isoleucine, which is neutral and non-polar, at codon 577 of the COL4A5 protein (p.Thr577Ile). This variant is not present in population databases (gnomAD no frequency). This variant has not been reported in the literature in individuals affected with COL4A5-related conditions. Invitae Evidence Modeling of protein sequence and biophysical properties (such as structural, functional, and spatial information, amino acid conservation, physicochemical variation, residue mobility, and thermodynamic stability) indicates that this missense variant is not expected to disrupt COL4A5 protein function with a negative predictive value of 95%. In summary, the available evidence is currently insufficient to determine the role of this variant in disease. Therefore, it has been classified as a Variant of Uncertain Significance.

NM_033380.3(COL4A5):c.1730C>T (p.Thr577Ile)

Gene: COL4A5 (collagen type IV alpha 5 chain; plus strand). Cytogenetic location: Xq22.3.
Variant type: single nucleotide variant.
Coding change: c.1730C>T on transcript NM_033380.3 (MANE Select); coding-DNA position 1730, C replaced by T.
Protein change: p.Thr577Ile; replaces threonine 577 with isoleucine.
Molecular consequence: missense variant.
Genome position (GRCh38, 1-based): chrX:108,597,519, C>T. VCF-style: chrX-108597519-C-T. GRCh37 (hg19) VCF-style: chrX-107840749-C-T.
Other names: c.1730C>T, p.Thr577Ile (NM_000495.5); short protein forms T577I.
Identifiers: ClinVar variation 3636319 (VCV003636319.2).